The following is an entry in ClinVar:

ClinVar aggregate classification (germline): Uncertain significance (1 of 4 stars; one submission).

Conditions:
Congenital myasthenic syndrome 8. Also called: MYASTHENIC SYNDROME, CONGENITAL, DUE TO AGRIN DEFICIENCY; Myasthenic syndrome, congenital, 8, with pre- and postsynaptic defects. Identifiers: Orphanet 590, MedGen C3808739, MONDO:0014052, OMIM 615120.

Allele frequency attached by ClinVar (database versions not stated): gnomAD 0.00001; gnomAD exomes 0.00001 and 0.00002; TOPMed 0.00001; ExAC 0.00002.
gnomAD v4.1: 13 of 1,612,538 alleles (0.00081%); highest among the groups gnomAD compares: South Asian, 0.0033%; no homozygotes.

Submission:

Labcorp Genetics (formerly Invitae), Labcorp
Classification: Uncertain significance for Congenital myasthenic syndrome 8. Last evaluated: 2022-07-12. Review status: criteria provided, single submitter. Criteria: Invitae Variant Classification Sherloc (09022015). Collection method: clinical testing. Allele origin: germline.
Comment: The frequency data for this variant in the population databases is considered unreliable, as metrics indicate poor data quality at this position in the gnomAD database. In summary, the available evidence is currently insufficient to determine the role of this variant in disease. Therefore, it has been classified as a Variant of Uncertain Significance. Algorithms developed to predict the effect of sequence changes on RNA splicing suggest that this variant may create or strengthen a splice site. Algorithms developed to predict the effect of missense changes on protein structure and function output the following: SIFT: "Tolerated"; PolyPhen-2: "Benign"; Align-GVGD: "Class C0". The glutamine amino acid residue is found in multiple mammalian species, which suggests that this missense change does not adversely affect protein function. ClinVar contains an entry for this variant (Variation ID: 941870). This variant has not been reported in the literature in individuals affected with AGRN-related conditions. This sequence change replaces arginine, which is basic and polar, with glutamine, which is neutral and polar, at codon 1696 of the AGRN protein (p.Arg1696Gln).

NM_198576.4(AGRN):c.5087G>A (p.Arg1696Gln)

Gene: AGRN (agrin; plus strand). Cytogenetic location: 1p36.33.
Variant type: single nucleotide variant.
Coding change: c.5087G>A on transcript NM_198576.4 (MANE Select); coding-DNA position 5087, G replaced by A.
Protein change: p.Arg1696Gln; replaces arginine 1696 with glutamine.
Molecular consequence: missense variant.
Genome position (GRCh38, 1-based): chr1:1,050,537, G>A. VCF-style: chr1-1050537-G-A. GRCh37 (hg19) VCF-style: chr1-985917-G-A.
Other names: c.5087G>A, p.Arg1696Gln (NM_001305275.2); c.4772G>A, p.Arg1591Gln (NM_001364727.2); short protein forms R1591Q, R1696Q.
Identifiers: ClinVar variation 941870 (VCV000941870.7), dbSNP rs202223206, ClinGen allele CA509844.